The following is an entry in ClinVar:

NM_014946.4(SPAST):c.1454_1463del (p.Ala485fs)

Gene: SPAST (spastin; plus strand). Cytogenetic location: 2p22.3.
Variant type: Deletion.
Coding change: c.1454_1463del on transcript NM_014946.4 (MANE Select); coding-DNA positions 1454 to 1463, 10 bases deleted (CAACTAATAG; older notation c.1454_1463delCAACTAATAG).
Protein change: p.Ala485fs; shifts the reading frame from alanine 485.
Molecular consequence: frameshift variant.
Genome position (GRCh38, 1-based): chr2:32,137,149-32,137,158, CAACTAATAG deleted; deleting any 10 consecutive bases within chr2:32,137,148-32,137,158 gives the same sequence; the c. name uses the placement nearest the transcript's 3' end. VCF-style (leftmost placement, unchanged base first): chr2-32137147-TGCAACTAATA-T. GRCh37 (hg19) VCF-style: chr2-32362216-TGCAACTAATA-T.
Other names: c.1451_1460del, p.Ala484fs (NM_001363823.2); c.1355_1364del, p.Ala452fs (NM_001363875.2); c.1358_1367del, p.Ala453fs (NM_001377959.1, NM_199436.2); short protein forms A484fs, A453fs, A485fs, A452fs.
Identifiers: ClinVar variation 817403 (VCV000817403.1), dbSNP rs1573157000, ClinGen allele CA915943726.

ClinVar aggregate classification (germline): Pathogenic (1 of 4 stars; one submission).

Submission:

GeneDx
Classification: Pathogenic. Last evaluated: 2019-02-06. Review status: criteria provided, single submitter. Criteria: GeneDx Variant Classification (06012015). Collection method: clinical testing. Allele origin: germline. Affected: yes.
Comment: A pathogenic variant has been identified in the SPAST gene. The c.1454_1463del10 variant has not been published as a pathogenic variant, nor has it been reported as a benign variant to our knowledge. The c.1454_1463del10 variant causes a frameshift starting with codon Alanine 485, changes this amino acid to a Glycine residue and creates a premature Stop codon at position 42 of the new reading frame, denoted p.Ala485GlyfsX42. This variant is predicted to cause loss of normal protein function either through protein truncation or nonsense-mediated mRNA decay. The c.1454_1463del10 variant is not observed in large population cohorts (Lek et al., 2016). Therefore, this variant is considered to be a pathogenic variant, and its presence is consistent with spastic paraplegia type 4.